The following is an entry in ClinVar:

NM_000536.4(RAG2):c.1375A>G (p.Met459Val)

Gene: RAG2 (recombination activating 2; minus strand). Cytogenetic location: 11p12.
Variant type: single nucleotide variant.
Coding change: c.1375A>G on transcript NM_000536.4 (MANE Select); coding-DNA position 1375, A replaced by G.
Protein change: p.Met459Val; replaces methionine 459 with valine.
Molecular consequence: missense variant.
Genome position (GRCh38, 1-based): chr11:36,592,794, T>C on the plus strand (A>G on the coding strand, the complement: RAG2 is on the minus strand). VCF-style: chr11-36592794-T-C. GRCh37 (hg19) VCF-style: chr11-36614344-T-C.
Other names: c.1375A>G, p.Met459Val (NM_001243785.2, NM_001243786.2); short protein forms M459V.
Identifiers: ClinVar variation 1948739 (VCV001948739.6), dbSNP rs1204766339, ClinGen allele CA380140498.

ClinVar aggregate classification (germline): Conflicting classifications of pathogenicity. Review status: criteria provided, conflicting classifications (1 of 4 stars). 2 submissions from 2 submitters: Likely pathogenic (1); Uncertain significance (1). Last evaluated 2024-06-18.

Conditions:
Combined immunodeficiency with skin granulomas. Identifiers: Orphanet 157949, MedGen C2673536, MONDO:0009306, OMIM 233650.
Severe combined immunodeficiency, autosomal recessive, T cell-negative, B cell-negative, NK cell-positive. Also called: Severe combined immunodeficiency due to complete RAG1/2 deficiency; SCID, AR, T-cell negative, B-cell negative, NK cell-positive; SCID, T CELL-NEGATIVE, B CELL-NEGATIVE, NK CELL-POSITIVE. Identifiers: Orphanet 331206, MedGen C1832322, MONDO:0011086, OMIM 601457.

gnomAD v4.1: 3 of 1,614,160 alleles (0.00019%); highest among the groups gnomAD compares: East Asian, 0.0022%; no homozygotes.

Submissions (2):

Women's Health and Genetics/Laboratory Corporation of America, LabCorp
Classification: Uncertain significance. Last evaluated: 2024-06-18. Review status: criteria provided, single submitter. Criteria: LabCorp Variant Classification Summary - May 2015. Collection method: clinical testing. Allele origin: germline.
Comment: Variant summary: RAG2 c.1375A>G (p.Met459Val) results in a conservative amino acid change located in the recombination activating protein 2, PHD domain (IPR025162) of the encoded protein sequence. Three of five in-silico tools predict a damaging effect of the variant on protein function. The variant allele was found at a frequency of 4e-06 in 251482 control chromosomes. The available data on variant occurrences in the general population are insufficient to allow any conclusion about variant significance. To our knowledge, no occurrence of c.1375A>G in individuals affected with Severe Combined Immunodeficiency and no experimental evidence demonstrating its impact on protein function have been reported. ClinVar contains an entry for this variant (Variation ID: 1948739). Based on the evidence outlined above, the variant was classified as uncertain significance.

Labcorp Genetics (formerly Invitae), Labcorp
Classification: Likely pathogenic for Combined immunodeficiency with skin granulomas; Severe combined immunodeficiency, autosomal recessive, T cell-negative, B cell-negative, NK cell-positive. Last evaluated: 2022-06-02. Review status: criteria provided, single submitter. Criteria: Invitae Variant Classification Sherloc (09022015). Collection method: clinical testing. Allele origin: germline.
Comment: Advanced modeling of protein sequence and biophysical properties (such as structural, functional, and spatial information, amino acid conservation, physicochemical variation, residue mobility, and thermodynamic stability) performed at Invitae indicates that this missense variant is expected to disrupt RAG2 protein function. This variant disrupts the p.Met459 amino acid residue in RAG2. Other variant(s) that disrupt this residue have been determined to be pathogenic (PMID: 22841008, 26692406, 29772310). This suggests that this residue is clinically significant, and that variants that disrupt this residue are likely to be disease-causing. In summary, the currently available evidence indicates that the variant is pathogenic, but additional data are needed to prove that conclusively. Therefore, this variant has been classified as Likely Pathogenic. This variant has not been reported in the literature in individuals affected with RAG2-related conditions. This variant is present in population databases (no rsID available, gnomAD 0.006%). This sequence change replaces methionine, which is neutral and non-polar, with valine, which is neutral and non-polar, at codon 459 of the RAG2 protein (p.Met459Val).

Literature cited by the submitters: PubMed 22841008 (cited by Labcorp Genetics (formerly Invitae), Labcorp); PubMed 26692406 (cited by Labcorp Genetics (formerly Invitae), Labcorp); PubMed 29772310 (cited by Labcorp Genetics (formerly Invitae), Labcorp).